The following is an entry in ClinVar:

ClinVar aggregate classification (germline): Uncertain significance (1 of 4 stars; one submission).

Allele frequency attached by ClinVar (database versions not stated): gnomAD exomes below 0.00001; TOPMed below 0.00001.
gnomAD v4.1: 4 of 1,614,256 alleles (0.00025%); highest among the groups gnomAD compares: African/African-American, 0.0013%; no homozygotes.

Submission:

CeGaT Center for Human Genetics Tuebingen
Classification: Uncertain significance. Last evaluated: 2024-04-01. Review status: criteria provided, single submitter. Criteria: CeGaT Center For Human Genetics Tuebingen Variant Classification Criteria Version 2. Collection method: clinical testing. Allele origin: germline. Affected: yes. Observed: 1 variant allele.
Comment: CUX1: PM2, BP4

NM_181552.4(CUX1):c.1594A>G (p.Met532Val)

Gene: CUX1 (cut like homeobox 1; plus strand). Cytogenetic location: 7q22.1.
Variant type: single nucleotide variant.
Coding change: c.1594A>G on transcript NM_181552.4 (MANE Select); coding-DNA position 1594, A replaced by G.
Protein change: p.Met532Val; replaces methionine 532 with valine.
Molecular consequence: missense variant. On other transcripts: intron variant (5).
Genome position (GRCh38, 1-based): chr7:102,197,005, A>G. VCF-style: chr7-102197005-A-G. GRCh37 (hg19) VCF-style: chr7-101840285-A-G.
Other names: c.1117+1402A>G (NM_001202545.3); c.1207+1402A>G (NM_001202544.3); c.1138+1402A>G (NM_001202546.3); c.1627A>G, p.Met543Val (NM_001202543.2); c.1255+1402A>G (NM_001913.5); c.1249+1402A>G (NM_181500.4); short protein forms M532V, M543V.
Identifiers: ClinVar variation 3234467 (VCV003234467.20), dbSNP rs936711780, ClinGen allele CA163401352.